The following is an entry in ClinVar:

NM_000548.5(TSC2):c.3552G>T (p.Ala1184=)

Gene: TSC2 (TSC complex subunit 2; plus strand). Cytogenetic location: 16p13.3.
Variant type: single nucleotide variant.
Coding change: c.3552G>T on transcript NM_000548.5 (MANE Select); coding-DNA position 3552, G replaced by T.
Protein change: p.Ala1184=; no amino-acid change (alanine 1184 retained).
Molecular consequence: synonymous variant. On other transcripts: non-coding transcript variant (5).
Genome position (GRCh38, 1-based): chr16:2,080,319, G>T. VCF-style: chr16-2080319-G-T. GRCh37 (hg19) VCF-style: chr16-2130320-G-T.
Other names: c.3420G>T, p.Ala1140= (NM_001077183.3, NM_001370404.1, NM_001406665.1); c.3552G>T, p.Ala1184= (NM_001114382.3); c.3312G>T, p.Ala1104= (NM_001318827.2); c.3276G>T, p.Ala1092= (NM_001318829.2); c.2820G>T, p.Ala940= (NM_001318831.2, NM_001406687.1, NM_001406688.1); c.3453G>T, p.Ala1151= (NM_001318832.2); c.3423G>T, p.Ala1141= (NM_001363528.2, NM_001370405.1, NM_021055.3); c.3549G>T, p.Ala1183= (NM_001406663.1, NM_001406664.1); and 18 more.
Identifiers: ClinVar variation 2820642 (VCV002820642.4), dbSNP rs549427685, ClinGen allele CA493043061.

ClinVar aggregate classification (germline): Benign/Likely benign. Review status: criteria provided, multiple submitters, no conflicts (2 of 4 stars). 2 submissions from 2 submitters: Benign (1); Likely benign (1). Last evaluated 2025-05-29.

Conditions:
Tuberous sclerosis 2 (TSC2). Identifiers: Orphanet 805, MedGen C1860707, MONDO:0013199, OMIM 613254.

Submissions (2):

Myriad Genetics, Inc.
Classification: Benign for Tuberous sclerosis 2. Last evaluated: 2025-05-29. Review status: criteria provided, single submitter. Criteria: Myriad Autosomal Dominant, Autosomal Recessive and X-Linked Classification Criteria (2023). Collection method: clinical testing. Allele origin: unknown.
Comment: This variant is considered benign. This variant is a silent/synonymous amino acid change and it is not expected to impact splicing.

Labcorp Genetics (formerly Invitae), Labcorp
Classification: Likely benign for Tuberous sclerosis 2. Last evaluated: 2022-12-14. Review status: criteria provided, single submitter. Criteria: Invitae Variant Classification Sherloc (09022015). Collection method: clinical testing. Allele origin: germline.